The following is an entry in ClinVar:

ClinVar aggregate classification (germline): Likely pathogenic (1 of 4 stars; one submission).

Conditions:
Hereditary cancer-predisposing syndrome. Also called: Hereditary Cancer Syndrome; Tumor predisposition; Hereditary neoplastic syndrome; Neoplastic Syndromes, Hereditary. Identifiers: Orphanet 140162, MedGen C0027672, MeSH D009386, MONDO:0015356.

Submission:

Ambry Genetics
Classification: Likely pathogenic for Hereditary cancer-predisposing syndrome. Last evaluated: 2024-07-06. Review status: criteria provided, single submitter. Criteria: Ambry Variant Classification Scheme 2023. Collection method: clinical testing. Allele origin: germline.
Comment: The c.321-1G>T intronic variant results from a G to T substitution one nucleotide upstream from coding exon 4 of the NBN gene. This variant is considered to be rare based on population cohorts in the Genome Aggregation Database (gnomAD). This nucleotide position is highly conserved in available vertebrate species. In silico splice site analysis predicts that this alteration will weaken the native splice acceptor site. Alterations that disrupt the canonical splice site are expected to cause aberrant splicing, resulting in an abnormal protein or a transcript that is subject to nonsense-mediated mRNA decay. As such, this alteration is classified as likely pathogenic.

NM_002485.5(NBN):c.321-1G>T

Gene: NBN (nibrin; minus strand). Cytogenetic location: 8q21.3.
Variant type: single nucleotide variant.
Coding change: c.321-1G>T on transcript NM_002485.5 (MANE Select); the canonical splice acceptor site of the intron before coding-DNA position 321, G replaced by T.
Molecular consequence: splice acceptor variant.
Genome position (GRCh38, 1-based): chr8:89,980,894, C>A on the plus strand (G>T on the coding strand, the complement: NBN is on the minus strand). VCF-style: chr8-89980894-C-A. GRCh37 (hg19) VCF-style: chr8-90993122-C-A.
Other names: c.75-1G>T (NM_001024688.3).
Identifiers: ClinVar variation 3403044 (VCV003403044.1).